The following is an entry in ClinVar:

ClinVar aggregate classification (germline): Uncertain significance (1 of 4 stars; one submission).

Allele frequency attached by ClinVar (database versions not stated): TOPMed below 0.00001; gnomAD 0.00001; ExAC 0.00002; gnomAD exomes 0.00002.

Submission:

Labcorp Genetics (formerly Invitae), Labcorp
Classification: Uncertain significance. Last evaluated: 2025-12-22. Review status: criteria provided, single submitter. Criteria: Invitae Variant Classification Sherloc (09022015). Collection method: clinical testing. Allele origin: germline.
Comment: This sequence change replaces glutamic acid, which is acidic and polar, with aspartic acid, which is acidic and polar, at codon 167 of the ERBIN protein (p.Glu167Asp). This variant is present in population databases (rs758457688, gnomAD 0.01%). This variant has not been reported in the literature in individuals affected with ERBIN-related conditions. ClinVar contains an entry for this variant (Variation ID: 1431238). An algorithm developed to predict the effect of missense changes on protein structure and function (PolyPhen-2) suggests that this variant is likely to be disruptive. In summary, the available evidence is currently insufficient to determine the role of this variant in disease. Therefore, it has been classified as a Variant of Uncertain Significance.

NM_001253697.2(ERBIN):c.501G>T (p.Glu167Asp)

Gene: ERBIN (erbb2 interacting protein; plus strand). Cytogenetic location: 5q12.3.
Variant type: single nucleotide variant.
Coding change: c.501G>T on transcript NM_001253697.2 (MANE Select); coding-DNA position 501, G replaced by T.
Protein change: p.Glu167Asp; replaces glutamic acid 167 with aspartic acid.
Molecular consequence: missense variant.
Genome position (GRCh38, 1-based): chr5:66,014,693, G>T. VCF-style: chr5-66014693-G-T. GRCh37 (hg19) VCF-style: chr5-65310521-G-T.
Other names: c.501G>T, p.Glu167Asp (NM_001006600.3, NM_001253698.2, NM_001253699.2 and 2 more transcripts); short protein forms E167D.
Identifiers: ClinVar variation 1431238 (VCV001431238.8), dbSNP rs758457688, ClinGen allele CA3285944.